The following is an entry in ClinVar:

ClinVar aggregate classification (germline): Likely benign. Review status: criteria provided, multiple submitters, no conflicts (2 of 4 stars). 2 submissions from 2 submitters: Likely benign (2). Last evaluated 2023-02-18.

Conditions:
Congenital myasthenic syndrome 5. Identifiers: Orphanet 590, MedGen C1864233, MONDO:0011281, OMIM 603034.

Allele frequency attached by ClinVar (database versions not stated): ExAC 0.00001; gnomAD exomes 0.00001.
gnomAD v4.1: 2 of 1,608,384 alleles (0.00012%); highest among the groups gnomAD compares: Non-Finnish European, 0.00017%; no homozygotes.

Submissions (2):

Labcorp Genetics (formerly Invitae), Labcorp
Classification: Likely benign for Congenital myasthenic syndrome 5. Last evaluated: 2023-02-18. Review status: criteria provided, single submitter. Criteria: Invitae Variant Classification Sherloc (09022015). Collection method: clinical testing. Allele origin: germline.

GeneDx
Classification: Likely benign. Last evaluated: 2017-04-11. Review status: criteria provided, single submitter. Criteria: GeneDx Variant Classification (06012015). Collection method: clinical testing. Allele origin: germline. Affected: yes.
Comment: This variant is considered likely benign or benign based on one or more of the following criteria: it is a conservative change, it occurs at a poorly conserved position in the protein, it is predicted to be benign by multiple in silico algorithms, and/or has population frequency not consistent with disease.

NM_005677.4(COLQ):c.718-11C>A

Gene: COLQ (collagen like tail subunit of asymmetric acetylcholinesterase; minus strand). Cytogenetic location: 3p25.1.
Variant type: single nucleotide variant.
Coding change: c.718-11C>A on transcript NM_005677.4 (MANE Select); 11 bases into the intron before coding-DNA position 718, C replaced by A.
Molecular consequence: intron variant.
Genome position (GRCh38, 1-based): chr3:15,466,448, G>T on the plus strand (C>A on the coding strand, the complement: COLQ is on the minus strand). VCF-style: chr3-15466448-G-T. GRCh37 (hg19) VCF-style: chr3-15507955-G-T.
Other names: c.616-11C>A (NM_080539.4); c.688-11C>A (NM_080538.2).
Identifiers: ClinVar variation 517853 (VCV000517853.4), dbSNP rs779127197, ClinGen allele CA2275986.